The following is an entry in ClinVar:

NM_020822.3(KCNT1):c.2729+15C>T

Gene: KCNT1 (potassium sodium-activated channel subfamily T member 1; plus strand). Cytogenetic location: 9q34.3.
Variant type: single nucleotide variant.
Coding change: c.2729+15C>T on transcript NM_020822.3 (MANE Select); 15 bases into the intron after coding-DNA position 2729, C replaced by T.
Molecular consequence: intron variant.
Genome position (GRCh38, 1-based): chr9:135,778,837, C>T. VCF-style: chr9-135778837-C-T. GRCh37 (hg19) VCF-style: chr9-138670683-C-T.
Other names: c.2594+15C>T (NM_001272003.2).
Identifiers: ClinVar variation 512531 (VCV000512531.10), dbSNP rs200624821, ClinGen allele CA5327403.

ClinVar aggregate classification (germline): Likely benign. Review status: criteria provided, multiple submitters, no conflicts (2 of 4 stars). 4 submissions from 3 submitters: Likely benign (4). Last evaluated 2024-07-30.

Conditions:
Autosomal dominant nocturnal frontal lobe epilepsy 5. Also called: Epilepsy, nocturnal frontal lobe, 5; CILIARY DYSKINESIA, PRIMARY, 28, WITHOUT SITUS INVERSUS; CILIARY DYSKINESIA, PRIMARY, 28, WITH SITUS INVERSUS; KCNT1-Related Epilepsy. Identifiers: Orphanet 98784, MedGen C3554306, MONDO:0014002, OMIM 615005.
Developmental and epileptic encephalopathy, 14 (DEE14). Also called: Early infantile epileptic encephalopathy 14. Identifiers: Orphanet 293181, MedGen C3554195, MONDO:0013989, OMIM 614959.

Allele frequency attached by ClinVar (database versions not stated): gnomAD exomes below 0.00001 and 0.00003; gnomAD 0.00001; TOPMed 0.00001; ExAC 0.00003.
gnomAD v4.1: 19 of 1,612,432 alleles (0.0012%); highest among the groups gnomAD compares: African/African-American, 0.0027%; no homozygotes.

Submissions (4):

Labcorp Genetics (formerly Invitae), Labcorp
Classification: Likely benign for Autosomal dominant nocturnal frontal lobe epilepsy 5; Developmental and epileptic encephalopathy, 14. Last evaluated: 2024-07-30. Review status: criteria provided, single submitter. Criteria: Invitae Variant Classification Sherloc (09022015). Collection method: clinical testing. Allele origin: germline.

Genome-Nilou Lab
Classification: Likely benign for Developmental and epileptic encephalopathy, 14. Last evaluated: 2022-03-15. Review status: criteria provided, single submitter. Criteria: ACMG Guidelines, 2015. Collection method: clinical testing. Allele origin: germline. Affected: no.

Genome-Nilou Lab
Classification: Likely benign for Autosomal dominant nocturnal frontal lobe epilepsy 5. Last evaluated: 2022-03-15. Review status: criteria provided, single submitter. Criteria: ACMG Guidelines, 2015. Collection method: clinical testing. Allele origin: germline. Affected: no.

GeneDx
Classification: Likely benign. Last evaluated: 2017-10-09. Review status: criteria provided, single submitter. Criteria: GeneDx Variant Classification (06012015). Collection method: clinical testing. Allele origin: germline. Affected: yes.
Comment: This variant is considered likely benign or benign based on one or more of the following criteria: it is a conservative change, it occurs at a poorly conserved position in the protein, it is predicted to be benign by multiple in silico algorithms, and/or has population frequency not consistent with disease.